The following is an entry in ClinVar:

NM_021102.4(SPINT2):c.438C>G (p.Phe146Leu)

Gene: SPINT2 (serine peptidase inhibitor, Kunitz type 2; plus strand). Cytogenetic location: 19q13.2.
Variant type: single nucleotide variant.
Coding change: c.438C>G on transcript NM_021102.4 (MANE Select); coding-DNA position 438, C replaced by G.
Protein change: p.Phe146Leu; replaces phenylalanine 146 with leucine.
Molecular consequence: missense variant.
Genome position (GRCh38, 1-based): chr19:38,290,165, C>G. VCF-style: chr19-38290165-C-G. GRCh37 (hg19) VCF-style: chr19-38780805-C-G.
Other names: c.267C>G, p.Phe89Leu (NM_001166103.2); short protein forms F146L, F89L.
Identifiers: ClinVar variation 1488792 (VCV001488792.6), dbSNP rs200998013, ClinGen allele CA405633586.

ClinVar aggregate classification (germline): Uncertain significance (1 of 4 stars; one submission).

Submission:

Labcorp Genetics (formerly Invitae), Labcorp
Classification: Uncertain significance. Last evaluated: 2021-11-13. Review status: criteria provided, single submitter. Criteria: Invitae Variant Classification Sherloc (09022015). Collection method: clinical testing. Allele origin: germline.
Comment: In summary, the available evidence is currently insufficient to determine the role of this variant in disease. Therefore, it has been classified as a Variant of Uncertain Significance. Algorithms developed to predict the effect of missense changes on protein structure and function are either unavailable or do not agree on the potential impact of this missense change (SIFT: "Deleterious"; PolyPhen-2: "Benign"; Align-GVGD: "Class C15"). This variant has not been reported in the literature in individuals affected with SPINT2-related conditions. This variant is not present in population databases (gnomAD no frequency). This sequence change replaces phenylalanine, which is neutral and non-polar, with leucine, which is neutral and non-polar, at codon 146 of the SPINT2 protein (p.Phe146Leu).